The following is an entry in ClinVar:

NM_001563.4(IMPG1):c.250G>T (p.Glu84Ter)

Gene: IMPG1 (interphotoreceptor matrix proteoglycan 1; minus strand). Cytogenetic location: 6q14.1.
Variant type: single nucleotide variant.
Coding change: c.250G>T on transcript NM_001563.4 (MANE Select); coding-DNA position 250, G replaced by T.
Protein change: p.Glu84Ter; replaces glutamic acid 84 with a stop codon.
Molecular consequence: nonsense. On other transcripts: intron variant (1).
Genome position (GRCh38, 1-based): chr6:76,041,944, C>A on the plus strand (G>T on the coding strand, the complement: IMPG1 is on the minus strand). VCF-style: chr6-76041944-C-A. GRCh37 (hg19) VCF-style: chr6-76751661-C-A.
Other names: c.68-7157G>T (NM_001282368.2); short protein forms E84*.
Identifiers: ClinVar variation 4893163 (VCV004893163.3).

ClinVar aggregate classification (germline): Likely pathogenic. Review status: criteria provided, multiple submitters, no conflicts (2 of 4 stars). 2 submissions from 2 submitters: Likely pathogenic (2). Last evaluated 2019-09-09.

Conditions:
Benign concentric annular macular dystrophy. Identifiers: Orphanet 251287, MedGen C5561925, MONDO:0007934, OMIM 153870.
Vitelliform macular dystrophy 4. Identifiers: Orphanet 99000, MedGen C4015342, MONDO:0014508, OMIM 616151.
IMPG1-related disorder. Also called: IMPG1-related condition.

gnomAD v4.1: 1 of 1,613,952 alleles (0.000062%); highest among the groups gnomAD compares: East Asian, 0.0022%; no homozygotes.

Submissions (2):

Blueprint Genetics
Classification: Likely pathogenic for IMPG1-related disorders. Last evaluated: 2019-09-09. Review status: criteria provided, single submitter. Criteria: ACMG Guidelines, 2015. Collection method: clinical testing. Allele origin: germline. Affected: yes. Observed: 1 variant allele.

Juno Genomics, Hangzhou Juno Genomics, Inc
Classification: Likely pathogenic for Benign concentric annular macular dystrophy; Vitelliform macular dystrophy 4. Review status: criteria provided, single submitter. Criteria: ACMG Guidelines, 2015. Collection method: clinical testing. Allele origin: germline.
Comment: Absent from controls (or at extremely low frequency if recessive) in Genome Aggregation Database.;Null variant in a gene where loss of function (LOF) is a known mechanism of disease.